The following is an entry in ClinVar:

NM_005591.4(MRE11):c.1163G>C (p.Arg388Pro)

Gene: MRE11 (MRE11 double strand break repair nuclease; minus strand). Cytogenetic location: 11q21.
Variant type: single nucleotide variant.
Coding change: c.1163G>C on transcript NM_005591.4 (MANE Select); coding-DNA position 1163, G replaced by C.
Protein change: p.Arg388Pro; replaces arginine 388 with proline.
Molecular consequence: missense variant.
Genome position (GRCh38, 1-based): chr11:94,464,175, C>G on the plus strand (G>C on the coding strand, the complement: MRE11 is on the minus strand). VCF-style: chr11-94464175-C-G. GRCh37 (hg19) VCF-style: chr11-94197341-C-G.
Other names: c.1163G>C, p.Arg388Pro (NM_001330347.2, NM_005590.4); short protein forms R388P.
Identifiers: ClinVar variation 664561 (VCV000664561.16), dbSNP rs587780134, ClinGen allele CA382372860.

ClinVar aggregate classification (germline): Uncertain significance. Review status: criteria provided, multiple submitters, no conflicts (2 of 4 stars). 3 submissions from 3 submitters: Uncertain significance (3). Last evaluated 2025-09-27.

Conditions:
Ataxia-telangiectasia-like disorder (ATLD). Identifiers: MedGen C1858391, MONDO:0011457.
Hereditary cancer-predisposing syndrome. Also called: Tumor predisposition; Hereditary neoplastic syndrome; Neoplastic Syndromes, Hereditary; Hereditary Cancer Syndrome. Identifiers: Orphanet 140162, MedGen C0027672, MeSH D009386, MONDO:0015356.
Ataxia-telangiectasia-like disorder 1 (ATLD1). Identifiers: Orphanet 251347, MedGen C4012790, MONDO:0024557, OMIM 604391.

Allele frequency attached by ClinVar (database versions not stated): TOPMed 0.00001.
gnomAD v4.1: 1 of 1,613,736 alleles (0.000062%); highest among the groups gnomAD compares: Non-Finnish European, 0.000085%; no homozygotes.

Submissions (3):

Ambry Genetics
Classification: Uncertain significance for Hereditary cancer-predisposing syndrome. Last evaluated: 2025-09-27. Review status: criteria provided, single submitter. Criteria: Ambry Variant Classification Scheme 2023. Collection method: clinical testing. Allele origin: germline.
Comment: The p.R388P variant (also known as c.1163G>C), located in coding exon 10 of the MRE11A gene, results from a G to C substitution at nucleotide position 1163. The arginine at codon 388 is replaced by proline, an amino acid with dissimilar properties. This amino acid position is well conserved in available vertebrate species. In addition, this alteration is predicted to be deleterious by in silico analysis. Since supporting evidence is limited at this time, the clinical significance of this alteration remains unclear.

Baylor Genetics
Classification: Uncertain significance for Ataxia-telangiectasia-like disorder 1. Last evaluated: 2023-09-26. Review status: criteria provided, single submitter. Criteria: ACMG Guidelines, 2015. Collection method: clinical testing. Allele origin: unknown.

Labcorp Genetics (formerly Invitae), Labcorp
Classification: Uncertain significance for Ataxia-telangiectasia-like disorder. Last evaluated: 2018-11-17. Review status: criteria provided, single submitter. Criteria: Invitae Variant Classification Sherloc (09022015). Collection method: clinical testing. Allele origin: germline.
Comment: In summary, the available evidence is currently insufficient to determine the role of this variant in disease. Therefore, it has been classified as a Variant of Uncertain Significance. Algorithms developed to predict the effect of missense changes on protein structure and function are either unavailable or do not agree on the potential impact of this missense change (SIFT: "Tolerated"; PolyPhen-2: "Possibly Damaging"; Align-GVGD: "Class C0"). This variant has not been reported in the literature in individuals with MRE11-related disease. This variant is not present in population databases (ExAC no frequency). This sequence change replaces arginine with proline at codon 388 of the MRE11 protein (p.Arg388Pro). The arginine residue is highly conserved and there is a moderate physicochemical difference between arginine and proline.